The following is an entry in ClinVar:

NM_000359.3(TGM1):c.1094A>G (p.Tyr365Cys)

Gene: TGM1 (transglutaminase 1; minus strand). Cytogenetic location: 14q12.
Variant type: single nucleotide variant.
Coding change: c.1094A>G on transcript NM_000359.3 (MANE Select); coding-DNA position 1094, A replaced by G.
Protein change: p.Tyr365Cys; replaces tyrosine 365 with cysteine.
Molecular consequence: missense variant.
Genome position (GRCh38, 1-based): chr14:24,259,140, T>C on the plus strand (A>G on the coding strand, the complement: TGM1 is on the minus strand). VCF-style: chr14-24259140-T-C. GRCh37 (hg19) VCF-style: chr14-24728346-T-C.
Other names: short protein forms Y365C.
Identifiers: ClinVar variation 427008 (VCV000427008.6), dbSNP rs756732717, ClinGen allele CA7131195.
Genomic context (GRCh38, chr14:24,259,140, plus strand): 5'-GTGGTCACGCCAGCAAAGACCCAGCACTGGCCATAGGGGACGGAATATCCCGTGCGTAGG[T>C]AGCTAAGCAGGATCTCCACGCTGCCCACCCACGCTGATGGGTTGGTGCCTCGGGAGTAAT-3'
Protein context (NP_000350.1, residues 355-375): WVGSVEILLS[Tyr365Cys]LRTGYSVPYG

ClinVar aggregate classification (germline): Pathogenic. Review status: criteria provided, multiple submitters, no conflicts (2 of 4 stars). 2 submissions from 2 submitters: Pathogenic (2). Last evaluated 2023-01-09.

Allele frequency attached by ClinVar (database versions not stated): gnomAD exomes below 0.00001 and 0.00001; TOPMed below 0.00001; gnomAD 0.00001; ExAC 0.00002.
gnomAD v4.1: 4 of 1,613,932 alleles (0.00025%); highest among the groups gnomAD compares: Non-Finnish European, 0.00034%; no homozygotes.

Submissions (2):

Labcorp Genetics (formerly Invitae), Labcorp
Classification: Pathogenic. Last evaluated: 2023-01-09. Review status: criteria provided, single submitter. Criteria: Invitae Variant Classification Sherloc (09022015). Collection method: clinical testing. Allele origin: germline.
Comment: For these reasons, this variant has been classified as Pathogenic. Advanced modeling of protein sequence and biophysical properties (such as structural, functional, and spatial information, amino acid conservation, physicochemical variation, residue mobility, and thermodynamic stability) performed at Invitae indicates that this missense variant is expected to disrupt TGM1 protein function. ClinVar contains an entry for this variant (Variation ID: 427008). This missense change has been observed in individuals with autosomal recessive congenital ichthyosis (PMID: 27025581, 29444371). This variant is present in population databases (rs756732717, gnomAD 0.003%). This sequence change replaces tyrosine, which is neutral and polar, with cysteine, which is neutral and slightly polar, at codon 365 of the TGM1 protein (p.Tyr365Cys).

GeneDx
Classification: Pathogenic. Last evaluated: 2018-07-19. Review status: criteria provided, single submitter. Criteria: GeneDx Variant Classification (06012015). Collection method: clinical testing. Allele origin: germline. Affected: yes.
Comment: The Y365C pathogenic variant in the TGM1 gene has been reported previously either in combination with another TGM1 variant or in the homozygous state in several individuals with autosomal recessive congenital ichthyosis (Pigg et al., 2016). The Y365C variant is not observed at a significant frequency in large population cohorts (Lek et al., 2016). The Y365C variant is a non-conservative amino acid substitution, which is likely to impact secondary protein structure as these residues differ in polarity, charge, size and/or other properties. This substitution occurs at a position in the catalytic core domain (Kon et al., 2003) that is conserved across species, and in silico analysis predicts this variant is probably damaging to the protein structure/function. A different missense variant in the same codon (Y365D) has also been reported in association with congenital ichthyosis (Kon et al., 2003), supporting the functional importance of this region of the protein. We interpret Y365C as a pathogenic variant.

Literature cited by the submitters: PubMed 27025581 (cited by Labcorp Genetics (formerly Invitae), Labcorp); PubMed 29444371 (cited by Labcorp Genetics (formerly Invitae), Labcorp).